The following is an entry in ClinVar:

NM_001267550.2(TTN):c.34786+3del

Gene: TTN (titin; minus strand). Cytogenetic location: 2q31.2.
Variant type: Deletion.
Coding change: c.34786+3del on transcript NM_001267550.2 (MANE Select); 3 bases into the intron after coding-DNA position 34786, one base deleted (A; older notation c.34786+3delA).
Molecular consequence: intron variant.
Genome position (GRCh38, 1-based): chr2:178,673,630, T deleted on the plus strand (A on the coding strand, the reverse complement: TTN is on the minus strand). VCF-style (leftmost placement, unchanged base first): chr2-178673629-AT-A. GRCh37 (hg19) VCF-style: chr2-179538356-AT-A.
Other names: c.13283-31313del (NM_003319.4); c.13859-31313del (NM_133437.4); c.13658-31313del (NM_133432.3); c.30883+3del (NM_133378.4); c.33664+3del (NM_001256850.1).
Identifiers: ClinVar variation 2126163 (VCV002126163.4), dbSNP rs2473545978, ClinGen allele CA2580065055.

ClinVar aggregate classification (germline): Uncertain significance (1 of 4 stars; one submission).

Conditions:
Dilated cardiomyopathy 1G (CMD1G). Identifiers: Orphanet 154, MedGen C1858763, MONDO:0011400, OMIM 604145.
Autosomal recessive limb-girdle muscular dystrophy type 2J (LGMDR10). Also called: Limb-girdle muscular dystrophy, type 2J; MUSCULAR DYSTROPHY, LIMB-GIRDLE, AUTOSOMAL RECESSIVE 10. Identifiers: Orphanet 140922, MedGen C1837342, MONDO:0012127, OMIM 608807.

Submission:

Labcorp Genetics (formerly Invitae), Labcorp
Classification: Uncertain significance for Dilated cardiomyopathy 1G; Autosomal recessive limb-girdle muscular dystrophy type 2J. Last evaluated: 2022-04-15. Review status: criteria provided, single submitter. Criteria: Invitae Variant Classification Sherloc (09022015). Collection method: clinical testing. Allele origin: germline.
Comment: This sequence change falls in intron 152 of the TTN gene. It does not directly change the encoded amino acid sequence of the TTN protein. It affects a nucleotide within the consensus splice site. This variant is not present in population databases (gnomAD no frequency). This variant has not been reported in the literature in individuals affected with TTN-related conditions. Variants that disrupt the consensus splice site are a relatively common cause of aberrant splicing (PMID: 17576681, 9536098). Algorithms developed to predict the effect of sequence changes on RNA splicing suggest that this variant is not likely to affect RNA splicing. In summary, the available evidence is currently insufficient to determine the role of this variant in disease. Therefore, it has been classified as a Variant of Uncertain Significance. This variant is located in the I band of TTN (PMID: 25589632). Variants in this region may be clinically relevant, but have not been definitively shown to cause cardiomyopathy or neuromuscular disease (PMID: 27493940, 32778822).

Literature cited by the submitters: PubMed 17576681; PubMed 9536098; PubMed 25589632; PubMed 27493940; PubMed 32778822.